The following is an entry in ClinVar:

NM_138387.4(G6PC3):c.674C>T (p.Ser225Phe)

Gene: G6PC3 (glucose-6-phosphatase catalytic subunit 3; plus strand). Cytogenetic location: 17q21.31.
Variant type: single nucleotide variant.
Coding change: c.674C>T on transcript NM_138387.4 (MANE Select); coding-DNA position 674, C replaced by T.
Protein change: p.Ser225Phe; replaces serine 225 with phenylalanine.
Molecular consequence: missense variant. On other transcripts: synonymous variant (1).
Genome position (GRCh38, 1-based): chr17:44,075,448, C>T. VCF-style: chr17-44075448-C-T. GRCh37 (hg19) VCF-style: chr17-42152816-C-T.
Other names: c.329C>T, p.Ser110Phe (NM_001384168.1, NM_001384165.1, NM_001384166.1 and 1 more transcripts); c.555C>T, p.Phe185= (NM_001319945.2); short protein forms S110F, S225F.
Identifiers: ClinVar variation 2046013 (VCV002046013.6), dbSNP rs748442084, ClinGen allele CA8596109.

ClinVar aggregate classification (germline): Uncertain significance. Review status: criteria provided, multiple submitters, no conflicts (2 of 4 stars). 3 submissions from 3 submitters: Uncertain significance (3). Last evaluated 2025-11-13.

Conditions:
G6PC3-related disorder. Also called: G6PC3-related condition.
Inborn genetic diseases. Identifiers: MedGen C0950123, MeSH D030342.
Autosomal recessive severe congenital neutropenia due to G6PC3 deficiency. Also called: NEUTROPENIA, SEVERE CONGENITAL, 4, AUTOSOMAL RECESSIVE; G6PC3 Deficiency. Identifiers: Orphanet 331176, MedGen C2751630, MONDO:0012930, OMIM 612541.

Submissions (3):

PreventionGenetics, part of Exact Sciences
Classification: Uncertain significance for G6PC3-related condition. Last evaluated: 2025-11-13. Review status: criteria provided, single submitter. Criteria: ACMG Guidelines, 2015. Collection method: clinical testing. Allele origin: germline.
Comment: The G6PC3 c.674C>T variant is predicted to result in the amino acid substitution p.Ser225Phe. To our knowledge, this variant has not been reported in the literature. This variant is reported in 0.0029% of alleles in individuals of Latino descent in gnomAD. At this time, the clinical significance of this variant is uncertain due to the absence of conclusive functional and genetic evidence.

Ambry Genetics
Classification: Uncertain significance for Inborn genetic diseases. Last evaluated: 2025-02-14. Review status: criteria provided, single submitter. Criteria: Ambry Variant Classification Scheme 2023. Collection method: clinical testing. Allele origin: germline.
Comment: The p.S225F variant (also known as c.674C>T), located in coding exon 5 of the G6PC3 gene, results from a C to T substitution at nucleotide position 674. The serine at codon 225 is replaced by phenylalanine, an amino acid with highly dissimilar properties. This amino acid position is conserved. In addition, the in silico prediction for this alteration is inconclusive. Based on the available evidence, the clinical significance of this variant remains unclear.

Labcorp Genetics (formerly Invitae), Labcorp
Classification: Uncertain significance for Autosomal recessive severe congenital neutropenia due to G6PC3 deficiency. Last evaluated: 2024-12-02. Review status: criteria provided, single submitter. Criteria: Invitae Variant Classification Sherloc (09022015). Collection method: clinical testing. Allele origin: germline.
Comment: This sequence change replaces serine, which is neutral and polar, with phenylalanine, which is neutral and non-polar, at codon 225 of the G6PC3 protein (p.Ser225Phe). This variant is present in population databases (rs748442084, gnomAD 0.003%). This variant has not been reported in the literature in individuals affected with G6PC3-related conditions. ClinVar contains an entry for this variant (Variation ID: 2046013). Invitae Evidence Modeling of protein sequence and biophysical properties (such as structural, functional, and spatial information, amino acid conservation, physicochemical variation, residue mobility, and thermodynamic stability) has been performed for this missense variant. However, the output from this modeling did not meet the statistical confidence thresholds required to predict the impact of this variant on G6PC3 protein function. In summary, the available evidence is currently insufficient to determine the role of this variant in disease. Therefore, it has been classified as a Variant of Uncertain Significance.